The following is an entry in ClinVar:

ClinVar aggregate classification (germline): Uncertain significance (1 of 4 stars; one submission).

Conditions:
Pontocerebellar hypoplasia type 1A (PCH1A). Also called: PONTOCEREBELLAR HYPOPLASIA WITH ANTERIOR HORN CELL DISEASE; PONTOCEREBELLAR HYPOPLASIA WITH INFANTILE SPINAL MUSCULAR ATROPHY. Identifiers: Orphanet 2254, Orphanet 88616, MedGen C1843504, MONDO:0011866, OMIM 607596.

Submission:

Labcorp Genetics (formerly Invitae), Labcorp
Classification: Uncertain significance for Pontocerebellar hypoplasia type 1A. Last evaluated: 2019-03-27. Review status: criteria provided, single submitter. Criteria: Invitae Variant Classification Sherloc (09022015). Collection method: clinical testing. Allele origin: germline.
Comment: This sequence change replaces cysteine with tryptophan at codon 250 of the VRK1 protein (p.Cys250Trp). The cysteine residue is moderately conserved and there is a large physicochemical difference between cysteine and tryptophan. In summary, the available evidence is currently insufficient to determine the role of this variant in disease. Therefore, it has been classified as a Variant of Uncertain Significance. Algorithms developed to predict the effect of missense changes on protein structure and function are either unavailable or do not agree on the potential impact of this missense change (SIFT: "Deleterious"; PolyPhen-2: "Probably Damaging"; Align-GVGD: "Class C15"). This variant has not been reported in the literature in individuals with VRK1-related conditions. This variant is not present in population databases (ExAC no frequency).

NM_003384.3(VRK1):c.750C>G (p.Cys250Trp)

Gene: VRK1 (VRK serine/threonine kinase 1; plus strand). Cytogenetic location: 14q32.2.
Variant type: single nucleotide variant.
Coding change: c.750C>G on transcript NM_003384.3 (MANE Select); coding-DNA position 750, C replaced by G.
Protein change: p.Cys250Trp; replaces cysteine 250 with tryptophan.
Molecular consequence: missense variant.
Genome position (GRCh38, 1-based): chr14:96,856,170, C>G. VCF-style: chr14-96856170-C-G. GRCh37 (hg19) VCF-style: chr14-97322507-C-G.
Other names: short protein forms C250W.
Identifiers: ClinVar variation 854831 (VCV000854831.11), dbSNP rs1888144387, ClinGen allele CA390931443.